The following is an entry in ClinVar:

NM_000038.6(APC):c.845C>A (p.Thr282Lys)

Gene: APC (APC regulator of Wnt signaling pathway; plus strand). Cytogenetic location: 5q22.2.
Variant type: single nucleotide variant.
Coding change: c.845C>A on transcript NM_000038.6 (MANE Select); coding-DNA position 845, C replaced by A.
Protein change: p.Thr282Lys; replaces threonine 282 with lysine.
Molecular consequence: missense variant. On other transcripts: 5 prime UTR variant (1).
Genome position (GRCh38, 1-based): chr5:112,815,505, C>A. VCF-style: chr5-112815505-C-A. GRCh37 (hg19) VCF-style: chr5-112151202-C-A.
Other names: c.845C>A, p.Thr282Lys (NM_001127510.3, NM_001354895.2, NM_001354896.2 and 1 more transcripts); c.791C>A, p.Thr264Lys (NM_001127511.3); c.875C>A, p.Thr292Lys (NM_001354897.2, NM_001354902.2); c.770C>A, p.Thr257Lys (NM_001354898.2, NM_001354904.2); c.761C>A, p.Thr254Lys (NM_001354899.2); c.668C>A, p.Thr223Lys (NM_001354900.2, NM_001354901.2, NM_001354905.2); c.-5C>A (NM_001354906.2); short protein forms T264K, T282K, T292K, T254K, T223K, T257K.
Identifiers: ClinVar variation 470143 (VCV000470143.10), dbSNP rs1554079132, ClinGen allele CA16023169.

ClinVar aggregate classification (germline): Uncertain significance (1 of 4 stars; one submission).

Conditions:
Familial adenomatous polyposis 1 (FAP1). Also called: POLYPOSIS, ADENOMATOUS INTESTINAL; FAMILIAL ADENOMATOUS POLYPOSIS 1, ATTENUATED. Identifiers: MedGen C2713442, MONDO:0021056, OMIM 175100. Disease mechanism: loss of function.

Submission:

Labcorp Genetics (formerly Invitae), Labcorp
Classification: Uncertain significance for Familial adenomatous polyposis 1. Last evaluated: 2018-05-02. Review status: criteria provided, single submitter. Criteria: Invitae Variant Classification Sherloc (09022015). Collection method: clinical testing. Allele origin: germline.
Comment: This sequence change replaces threonine with lysine at codon 282 of the APC protein (p.Thr282Lys). The threonine residue is weakly conserved and there is a moderate physicochemical difference between threonine and lysine. This variant is not present in population databases (ExAC no frequency). This variant has not been reported in the literature in individuals with APC-related disease. ClinVar contains an entry for this variant (Variation ID: 470143). Algorithms developed to predict the effect of missense changes on protein structure and function do not agree on the potential impact of this missense change (SIFT: "Deleterious"; PolyPhen-2: "Benign"; Align-GVGD: "Class C0"). In summary, the available evidence is currently insufficient to determine the role of this variant in disease. Therefore, it has been classified as a Variant of Uncertain Significance.